The following is an entry in ClinVar:

NM_003036.4(SKI):c.1095+6G>A

Gene: SKI (SKI proto-oncogene; plus strand). Cytogenetic location: 1p36.32.
Variant type: single nucleotide variant.
Coding change: c.1095+6G>A on transcript NM_003036.4 (MANE Select); 6 bases into the intron after coding-DNA position 1095, G replaced by A.
Molecular consequence: intron variant.
Genome position (GRCh38, 1-based): chr1:2,303,109, G>A. VCF-style: chr1-2303109-G-A. GRCh37 (hg19) VCF-style: chr1-2234548-G-A.
Identifiers: ClinVar variation 2201333 (VCV002201333.4), dbSNP rs368566535, ClinGen allele CA536552.

ClinVar aggregate classification (germline): Uncertain significance (1 of 4 stars; one submission).

Conditions:
Shprintzen-Goldberg syndrome (SGS). Also called: Marfanoid disorder with craniosynostosis type 1; Marfanoid craniosynostosis syndrome; Shprintzen-Goldberg marfanoid syndrome; SHPRINTZEN-GOLDBERG CRANIOSYNOSTOSIS SYNDROME; CRANIOSYNOSTOSIS WITH ARACHNODACTYLY AND ABDOMINAL HERNIAS. Identifiers: Orphanet 2462, MedGen C1321551, MONDO:0008426, OMIM 182212.

Allele frequency attached by ClinVar (database versions not stated): gnomAD exomes below 0.00001; ExAC 0.00003; ESP Exome Variant Server 0.00008; gnomAD 0.00008; TOPMed 0.00008.
gnomAD v4.1: 19 of 1,613,126 alleles (0.0012%); highest among the groups gnomAD compares: African/African-American, 0.019%; no homozygotes.

Submission:

Labcorp Genetics (formerly Invitae), Labcorp
Classification: Uncertain significance for Shprintzen-Goldberg syndrome. Last evaluated: 2025-08-24. Review status: criteria provided, single submitter. Criteria: Invitae Variant Classification Sherloc (09022015). Collection method: clinical testing. Allele origin: germline.
Comment: This sequence change falls in intron 2 of the SKI gene. It does not directly change the encoded amino acid sequence of the SKI protein. It affects a nucleotide within the consensus splice site. This variant is present in population databases (rs368566535, gnomAD 0.03%). This variant has not been reported in the literature in individuals affected with SKI-related conditions. ClinVar contains an entry for this variant (Variation ID: 2201333). Variants that disrupt the consensus splice site are a relatively common cause of aberrant splicing (PMID: 17576681, 9536098). Algorithms developed to predict the effect of sequence changes on RNA splicing suggest that this variant is not likely to affect RNA splicing. In summary, the available evidence is currently insufficient to determine the role of this variant in disease. Therefore, it has been classified as a Variant of Uncertain Significance.

Literature cited by the submitters: PubMed 17576681; PubMed 9536098.